The following is an entry in ClinVar:

ClinVar aggregate classification (germline): Uncertain significance (1 of 4 stars; one submission).

Conditions:
Gastrointestinal stromal tumor. Also called: Gastrointestinal stroma tumor; Gastrointestinal stromal tumor, somatic. Identifiers: Orphanet 44890, MedGen C0238198, MeSH D046152, MONDO:0011719, OMIM 606764, HP:0100723.

Submission:

Labcorp Genetics (formerly Invitae), Labcorp
Classification: Uncertain significance for Gastrointestinal stromal tumor. Last evaluated: 2022-03-07. Review status: criteria provided, single submitter. Criteria: Invitae Variant Classification Sherloc (09022015). Collection method: clinical testing. Allele origin: germline.
Comment: In summary, the available evidence is currently insufficient to determine the role of this variant in disease. Therefore, it has been classified as a Variant of Uncertain Significance. Algorithms developed to predict the effect of missense changes on protein structure and function (SIFT, PolyPhen-2, Align-GVGD) all suggest that this variant is likely to be disruptive. This variant has not been reported in the literature in individuals affected with KIT-related conditions. This variant is not present in population databases (gnomAD no frequency). This sequence change replaces proline, which is neutral and non-polar, with threonine, which is neutral and polar, at codon 838 of the KIT protein (p.Pro838Thr).

NM_000222.3(KIT):c.2512C>A (p.Pro838Thr)

Gene: KIT (KIT proto-oncogene, receptor tyrosine kinase; plus strand). Cytogenetic location: 4q12.
Variant type: single nucleotide variant.
Coding change: c.2512C>A on transcript NM_000222.3 (MANE Select); coding-DNA position 2512, C replaced by A.
Protein change: p.Pro838Thr; replaces proline 838 with threonine.
Molecular consequence: missense variant.
Genome position (GRCh38, 1-based): chr4:54,736,525, C>A. VCF-style: chr4-54736525-C-A. GRCh37 (hg19) VCF-style: chr4-55602691-C-A.
Other names: c.2500C>A, p.Pro834Thr (NM_001093772.2, NM_001385292.1); c.2515C>A, p.Pro839Thr (NM_001385284.1); c.2509C>A, p.Pro837Thr (NM_001385285.1); c.2497C>A, p.Pro833Thr (NM_001385286.1); c.2503C>A, p.Pro835Thr (NM_001385288.1); c.2512C>A, p.Pro838Thr (NM_001385290.1); short protein forms P834T, P838T, P833T, P839T, P835T, P837T.
Identifiers: ClinVar variation 1422676 (VCV001422676.6), dbSNP rs2109811068, ClinGen allele CA356913010.